The following is an entry in ClinVar:

NM_003073.5(SMARCB1):c.772T>C (p.Ser258Pro)

Gene: SMARCB1 (SWI/SNF related BAF chromatin remodeling complex subunit B1; plus strand). Cytogenetic location: 22q11.23.
Variant type: single nucleotide variant.
Coding change: c.772T>C on transcript NM_003073.5 (MANE Select); coding-DNA position 772, T replaced by C.
Protein change: p.Ser258Pro; replaces serine 258 with proline.
Molecular consequence: missense variant.
Genome position (GRCh38, 1-based): chr22:23,816,913, T>C. VCF-style: chr22-23816913-T-C. GRCh37 (hg19) VCF-style: chr22-24159100-T-C.
Other names: c.745T>C, p.Ser249Pro (NM_001007468.3); c.799T>C, p.Ser267Pro (NM_001317946.2); c.826T>C, p.Ser276Pro (NM_001362877.2); short protein forms S267P, S249P, S258P, S276P.
Identifiers: ClinVar variation 3320813 (VCV003320813.1).
Genomic context (GRCh38, chr22:23,816,913, plus strand): 5'-GCCTCTGCCATCAGACAGCAGATCGAGTCCTACCCCACGGACAGCATCCTGGAGGACCAG[T>C]CAGACCAGCGCGTCATCATCAAGGTAGGTGACTTCTCACCCAGCACTGGAGCCTTCCTGG-3'
Protein context (NP_003064.2, residues 248-268): YPTDSILEDQ[Ser258Pro]DQRVIIKLNI

ClinVar aggregate classification (germline): Uncertain significance (1 of 4 stars; one submission).

Conditions:
Hereditary cancer-predisposing syndrome. Also called: Neoplastic Syndromes, Hereditary; Tumor predisposition; Hereditary neoplastic syndrome; Hereditary Cancer Syndrome. Identifiers: Orphanet 140162, MedGen C0027672, MeSH D009386, MONDO:0015356.

Submission:

Ambry Genetics
Classification: Uncertain significance for Hereditary cancer-predisposing syndrome. Last evaluated: 2024-05-03. Review status: criteria provided, single submitter. Criteria: Ambry Variant Classification Scheme 2023. Collection method: clinical testing. Allele origin: germline.
Comment: The p.S258P variant (also known as c.772T>C), located in coding exon 6 of the SMARCB1 gene, results from a T to C substitution at nucleotide position 772. The serine at codon 258 is replaced by proline, an amino acid with similar properties. This amino acid position is conserved. In addition, this alteration is predicted to be tolerated by in silico analysis. Based on the available evidence, the clinical significance of this variant remains unclear.